The following is an entry in ClinVar:

ClinVar aggregate classification (germline): Likely benign. Review status: criteria provided, single submitter (1 of 4 stars). 2 submissions from 2 submitters: Likely benign (1). 1 of the submissions does not count toward it. Last evaluated 2025-11-28.

Conditions:
Congenital myasthenic syndrome 18. Also called: MYASTHENIC SYNDROME, CONGENITAL, 18, WITH INTELLECTUAL DISABILITY AND ATAXIA. Identifiers: Orphanet 590, MedGen C4225364, MONDO:0014590, OMIM 616330.
SNAP25-related disorder.

Allele frequency attached by ClinVar (database versions not stated): ExAC 0.00002; gnomAD 0.00004; gnomAD exomes 0.00005 and 0.00012; TOPMed 0.00006; ESP Exome Variant Server 0.00008.
gnomAD v4.1: 182 of 1,612,438 alleles (0.011%); highest among the groups gnomAD compares: Non-Finnish European, 0.015%; no homozygotes.

Submissions (2):

Labcorp Genetics (formerly Invitae), Labcorp
Classification: Likely benign for Congenital myasthenic syndrome 18. Last evaluated: 2025-11-28. Review status: criteria provided, single submitter. Criteria: Invitae Variant Classification Sherloc (09022015). Collection method: clinical testing. Allele origin: germline.

PreventionGenetics, part of Exact Sciences
Classification: Likely benign for SNAP25-related condition. Last evaluated: 2019-06-19. Review status: no assertion criteria provided. Collection method: clinical testing. Allele origin: germline. Not counted in ClinVar's aggregate classification.
Comment: This variant is classified as likely benign based on ACMG/AMP sequence variant interpretation guidelines (Richards et al. 2015 PMID: 25741868, with internal and published modifications).

NM_130811.4(SNAP25):c.73-9A>G

Gene: SNAP25 (synaptosome associated protein 25; plus strand). Cytogenetic location: 20p12.2.
Variant type: single nucleotide variant.
Coding change: c.73-9A>G on transcript NM_130811.4 (MANE Select); 9 bases into the intron before coding-DNA position 73, A replaced by G.
Genome position (GRCh38, 1-based): chr20:10,277,676, A>G. VCF-style: chr20-10277676-A-G. GRCh37 (hg19) VCF-style: chr20-10258324-A-G.
Other names: c.73-9A>G (NM_001322907.2, NM_001322910.2, NM_001322904.2 and 8 more transcripts).
Identifiers: ClinVar variation 775005 (VCV000775005.12), dbSNP rs371883444, ClinGen allele CA9763264.